The following is an entry in ClinVar:

NM_007294.4(BRCA1):c.3348A>G (p.Val1116=)

Genes: BRCA1 (BRCA1 DNA repair associated; minus strand), LOC126862571 (BRD4-independent group 4 enhancer GRCh37_chr17:41243136-41244335; plus strand). Cytogenetic location: 17q21.31.
Variant type: single nucleotide variant.
Coding change: c.3348A>G on transcript NM_007294.4 (MANE Select); coding-DNA position 3348, A replaced by G.
Protein change: p.Val1116=; no amino-acid change (valine 1116 retained).
Molecular consequence: synonymous variant. On other transcripts: intron variant (137).
Genome position (GRCh38, 1-based): chr17:43,092,183, T>C on the plus strand (A>G on the coding strand, the complement: BRCA1 is on the minus strand). VCF-style: chr17-43092183-T-C. GRCh37 (hg19) VCF-style: chr17-41244200-T-C.
Other names: c.3135A>G, p.Val1045= (NM_001407571.1, NM_001407853.1, NM_001407894.1 and 9 more transcripts); c.3348A>G, p.Val1116= (NM_001407581.1, NM_001407582.1, NM_001407583.1 and 30 more transcripts); c.3345A>G, p.Val1115= (NM_001407587.1, NM_001407590.1, NM_001407591.1 and 22 more transcripts); c.3339A>G, p.Val1113= (NM_001407646.1, NM_001407647.1); c.3225A>G, p.Val1075= (NM_001407648.1, NM_001407664.1, NM_001407665.1 and 19 more transcripts); c.3222A>G, p.Val1074= (NM_001407649.1, NM_001407670.1, NM_001407671.1 and 11 more transcripts); c.3270A>G, p.Val1090= (NM_001407653.1, NM_001407654.1, NM_001407655.1 and 4 more transcripts); c.3267A>G, p.Val1089= (NM_001407659.1, NM_001407660.1, NM_001407661.1 and 1 more transcripts); and 41 more.
Identifiers: ClinVar variation 427258 (VCV000427258.6), dbSNP rs1131692073, ClinGen allele CA500232613.

ClinVar aggregate classification (germline): Likely benign. Review status: reviewed by expert panel (3 of 4 stars). 2 submissions from 2 submitters: Likely benign (1). 1 of the submissions does not count toward it. Last evaluated 2017-06-29.

Conditions:
Hereditary cancer-predisposing syndrome. Also called: Neoplastic Syndromes, Hereditary; Hereditary neoplastic syndrome; Tumor predisposition; Hereditary Cancer Syndrome. Identifiers: Orphanet 140162, MedGen C0027672, MeSH D009386, MONDO:0015356.
Breast-ovarian cancer, familial, susceptibility to, 1 (BROVCA1). Also called: BRCA1 Hereditary Breast and Ovarian Cancer; OVARIAN CANCER, SUSCEPTIBILITY TO. Identifiers: Orphanet 145, MedGen C2676676, MONDO:0011450, OMIM 604370. Disease mechanism: loss of function.

Submissions (2):

Evidence-based Network for the Interpretation of Germline Mutant Alleles (ENIGMA)
Classification: Likely benign for Breast-ovarian cancer, familial, susceptibility to, 1. Last evaluated: 2017-06-29. Review status: reviewed by expert panel. Criteria: ENIGMA BRCA1/2 Classification Criteria (2017-06-29). Collection method: curation. Allele origin: germline.
Comment: Synonymous substitution variant, with low bioinformatic likelihood to result in a splicing aberration (Splicing prior probability 0.02).

Color Diagnostics, LLC DBA Color Health
Classification: Likely benign for Hereditary cancer-predisposing syndrome. Last evaluated: 2018-11-30. Review status: criteria provided, single submitter. Criteria: ACMG Guidelines, 2015. Collection method: clinical testing. Allele origin: germline. Not counted in ClinVar's aggregate classification.